The following is an entry in ClinVar:

ClinVar aggregate classification (germline): Uncertain significance (1 of 4 stars; one submission).

Conditions:
Neuromuscular disease caused by qualitative or quantitative defects of dysferlin. Also called: Dysferlinopathy; Qualitative or quantitative defects of dysferlin. Identifiers: Orphanet 207073, MedGen C2931687, MONDO:0016145.

gnomAD v4.1: 2 of 1,612,268 alleles (0.00012%); highest among the groups gnomAD compares: Non-Finnish European, 0.00017%; no homozygotes.

Submission:

Labcorp Genetics (formerly Invitae), Labcorp
Classification: Uncertain significance for Neuromuscular disease caused by qualitative or quantitative defects of dysferlin. Last evaluated: 2021-09-01. Review status: criteria provided, single submitter. Criteria: Invitae Variant Classification Sherloc (09022015). Collection method: clinical testing. Allele origin: germline.
Comment: This sequence change replaces phenylalanine with leucine at codon 1481 of the DYSF protein (p.Phe1481Leu). The phenylalanine residue is moderately conserved and there is a small physicochemical difference between phenylalanine and leucine. This variant is present in population databases (rs544993852, ExAC 0.02%). This variant has not been reported in the literature in individuals affected with DYSF-related conditions. Advanced modeling of protein sequence and biophysical properties (such as structural, functional, and spatial information, amino acid conservation, physicochemical variation, residue mobility, and thermodynamic stability) performed at Invitae indicates that this missense variant is not expected to disrupt DYSF protein function. In summary, the available evidence is currently insufficient to determine the role of this variant in disease. Therefore, it has been classified as a Variant of Uncertain Significance.

NM_001130987.2(DYSF):c.4560C>A (p.Phe1520Leu)

Gene: DYSF (dysferlin; plus strand). Cytogenetic location: 2p13.2.
Variant type: single nucleotide variant.
Coding change: c.4560C>A on transcript NM_001130987.2 (MANE Select); coding-DNA position 4560, C replaced by A.
Protein change: p.Phe1520Leu; replaces phenylalanine 1520 with leucine.
Molecular consequence: missense variant.
Genome position (GRCh38, 1-based): chr2:71,643,997, C>A. VCF-style: chr2-71643997-C-A. GRCh37 (hg19) VCF-style: chr2-71871127-C-A.
Other names: c.4509C>A, p.Phe1503Leu (NM_001130983.2); c.4467C>A, p.Phe1489Leu (NM_001130984.2); c.4497C>A, p.Phe1499Leu (NM_001130985.2); c.4404C>A, p.Phe1468Leu (NM_001130986.2); c.4443C>A, p.Phe1481Leu (NM_003494.4); c.4446C>A, p.Phe1482Leu (NM_001130455.2); c.4401C>A, p.Phe1467Leu (NM_001130976.2); c.4464C>A, p.Phe1488Leu (NM_001130977.2); and 5 more; short protein forms F1481L, F1489L, F1503L, F1467L, F1468L, F1482L, F1512L, F1519L.
Identifiers: ClinVar variation 1494500 (VCV001494500.5), dbSNP rs544993852, ClinGen allele CA1707052.
Genomic context (GRCh38, chr2:71,643,997, plus strand): 5'-AATGGTCTCTTTCTTTCTACCCACTCAGGAGGAAGAGTTCATCGATTGGTGGAGCAAATT[C>A]TTTGCCTCCATAGGGGAGAGGGAAAAGTGCGGCTCCTACCTGGAGAAGGATTTTGACACC-3'
Protein context (NP_001124459.1, residues 1510-1530): EEEFIDWWSK[Phe1520Leu]FASIGEREKC